The following is an entry in ClinVar:

NM_001165963.4(SCN1A):c.3517dup (p.Glu1173fs)

Genes: SCN1A (sodium voltage-gated channel alpha subunit 1; minus strand), LOC102724058 (uncharacterized LOC102724058; plus strand). Cytogenetic location: 2q24.3.
Variant type: Duplication.
Coding change: c.3517dup on transcript NM_001165963.4 (MANE Select); coding-DNA position 3517, one base duplicated (G; older notation c.3517dupG).
Protein change: p.Glu1173fs; shifts the reading frame from glutamic acid 1173.
Molecular consequence: frameshift variant. On other transcripts: non-coding transcript variant (2).
Genome position (GRCh38, 1-based): chr2:166,015,640, C duplicated on the plus strand (G on the coding strand, the reverse complement: SCN1A is on the minus strand). VCF-style (leftmost placement, unchanged base first): chr2-166015639-T-TC. GRCh37 (hg19) VCF-style: chr2-166872149-T-TC.
Other names: c.3433dup, p.Glu1145fs (NM_001165964.3, NM_001353957.2, NM_001353958.2); c.3517dup, p.Glu1173fs (NM_001202435.3, NM_001353948.2); c.3484dup, p.Glu1162fs (NM_001353949.2, NM_001353950.2, NM_001353951.2 and 2 more transcripts); c.3481dup, p.Glu1161fs (NM_001353954.2, NM_001353955.2); c.3430dup, p.Glu1144fs (NM_001353960.2); c.1075dup, p.Glu359fs (NM_001353961.2); short protein forms E1161fs, E359fs, E1144fs, E1162fs, E1173fs, E1145fs.
Identifiers: ClinVar variation 859498 (VCV000859498.8), dbSNP rs1693176153, ClinGen allele CA916082240.

ClinVar aggregate classification (germline): Pathogenic (1 of 4 stars; one submission).

Conditions:
Early-infantile DEE. Also called: Early infantile epileptic encephalopathy; Early infantile epileptic encephalopathy with suppression bursts; Ohtahara syndrome. Identifiers: Orphanet 1934, MedGen C0393706, MONDO:0800491.

Submission:

Labcorp Genetics (formerly Invitae), Labcorp
Classification: Pathogenic for Early-infantile DEE. Last evaluated: 2019-12-03. Review status: criteria provided, single submitter. Criteria: Invitae Variant Classification Sherloc (09022015). Collection method: clinical testing. Allele origin: germline.
Comment: Loss-of-function variants in SCN1A are known to be pathogenic (PMID: 17347258, 18930999). This variant has not been reported in the literature in individuals with SCN1A-related conditions. This variant is not present in population databases (ExAC no frequency). This sequence change creates a premature translational stop signal (p.Glu1173Glyfs*4) in the SCN1A gene. It is expected to result in an absent or disrupted protein product. For these reasons, this variant has been classified as Pathogenic.

Literature cited by the submitters: PubMed 17347258; PubMed 18930999.